The following is an entry in ClinVar:

ClinVar aggregate classification (germline): Uncertain significance (1 of 4 stars; one submission).

Submission:

Labcorp Genetics (formerly Invitae), Labcorp
Classification: Uncertain significance. Last evaluated: 2024-02-07. Review status: criteria provided, single submitter. Criteria: Invitae Variant Classification Sherloc (09022015). Collection method: clinical testing. Allele origin: germline.
Comment: This sequence change replaces proline, which is neutral and non-polar, with arginine, which is basic and polar, at codon 267 of the POLE protein (p.Pro267Arg). This variant is not present in population databases (gnomAD no frequency). This variant has not been reported in the literature in individuals affected with POLE-related conditions. An algorithm developed to predict the effect of missense changes on protein structure and function (PolyPhen-2) suggests that this variant is likely to be disruptive. In summary, the available evidence is currently insufficient to determine the role of this variant in disease. Therefore, it has been classified as a Variant of Uncertain Significance.

NM_006231.4(POLE):c.800C>G (p.Pro267Arg)

Gene: POLE (DNA polymerase epsilon, catalytic subunit; minus strand). Cytogenetic location: 12q24.33.
Variant type: single nucleotide variant.
Coding change: c.800C>G on transcript NM_006231.4 (MANE Select); coding-DNA position 800, C replaced by G.
Protein change: p.Pro267Arg; replaces proline 267 with arginine.
Molecular consequence: missense variant.
Genome position (GRCh38, 1-based): chr12:132,677,364, G>C on the plus strand (C>G on the coding strand, the complement: POLE is on the minus strand). VCF-style: chr12-132677364-G-C. GRCh37 (hg19) VCF-style: chr12-133253950-G-C.
Other names: short protein forms P267R.
Identifiers: ClinVar variation 2965414 (VCV002965414.3), dbSNP rs2136018387, ClinGen allele CA387364402.